The following is an entry in ClinVar:

NM_000528.4(MAN2B1):c.1408G>A (p.Gly470Arg)

Genes: MAN2B1 (mannosidase alpha class 2B member 1; minus strand), LOC129391064 (MPRA-validated peak3365 silencer; plus strand). Cytogenetic location: 19p13.13.
Variant type: single nucleotide variant.
Coding change: c.1408G>A on transcript NM_000528.4 (MANE Select); coding-DNA position 1408, G replaced by A.
Protein change: p.Gly470Arg; replaces glycine 470 with arginine.
Molecular consequence: missense variant.
Genome position (GRCh38, 1-based): chr19:12,657,457, C>T on the plus strand (G>A on the coding strand, the complement: MAN2B1 is on the minus strand). VCF-style: chr19-12657457-C-T. GRCh37 (hg19) VCF-style: chr19-12768271-C-T.
Other names: c.1405G>A, p.Gly469Arg (NM_001173498.2); short protein forms G469R, G470R.
Identifiers: ClinVar variation 1928891 (VCV001928891.5), dbSNP rs2512501354, ClinGen allele CA404246659.

ClinVar aggregate classification (germline): Uncertain significance (1 of 4 stars; one submission).

Conditions:
Deficiency of alpha-mannosidase (MANSA). Also called: Mannosidosis, alpha-, types I and II; Alpha-Mannosidosis; LYSOSOMAL ALPHA-D-MANNOSIDASE DEFICIENCY. Identifiers: Orphanet 61, MedGen C0024748, MONDO:0009561, OMIM 248500.

Submission:

Labcorp Genetics (formerly Invitae), Labcorp
Classification: Uncertain significance for Deficiency of alpha-mannosidase. Last evaluated: 2022-08-15. Review status: criteria provided, single submitter. Criteria: Invitae Variant Classification Sherloc (09022015). Collection method: clinical testing. Allele origin: germline.
Comment: In summary, the available evidence is currently insufficient to determine the role of this variant in disease. Therefore, it has been classified as a Variant of Uncertain Significance. Algorithms developed to predict the effect of missense changes on protein structure and function output the following: SIFT: "Tolerated"; PolyPhen-2: "Benign"; Align-GVGD: "Class C0". The arginine amino acid residue is found in multiple mammalian species, which suggests that this missense change does not adversely affect protein function. This variant has not been reported in the literature in individuals affected with MAN2B1-related conditions. This variant is not present in population databases (gnomAD no frequency). This sequence change replaces glycine, which is neutral and non-polar, with arginine, which is basic and polar, at codon 470 of the MAN2B1 protein (p.Gly470Arg).